The following is an entry in ClinVar:

ClinVar aggregate classification (germline): Pathogenic. Review status: reviewed by expert panel (3 of 4 stars). 2 submissions from 2 submitters: Pathogenic (1). 1 of the submissions does not count toward it. Last evaluated 2025-09-07.

Conditions:
RPGR-related retinopathy. Also called: RPGR retinopathy. Identifiers: MedGen CN305589, MONDO:0100437.
Retinal dystrophy. Also called: Inherited retinal dystrophy. Identifiers: Orphanet 71862, MedGen C0854723, MeSH D058499, MONDO:0019118, HP:0000556.

Submissions (2):

ClinGen X-linked Inherited Retinal Disease Variant Curation Expert Panel, ClinGen
Classification: Pathogenic for RPGR-related retinopathy. Last evaluated: 2025-09-07. Review status: reviewed by expert panel. Criteria: ClinGen X LinkedIRD ACMG Specifications RPGR V1.0.0. Collection method: curation. Allele origin: germline. Inheritance: X-linked inheritance.
Comment: NM_001034853.2(RPGR):c.808C>T (p.Gln270Ter) is a nonsense variant that introduces a premature stop in codon 270 within exon 8 of 15, which is predicted to trigger nonsense-mediated decay (PVS1). This variant is absent from gnomAD v4.1.0 (PM2_Supporting). This variant has been reported in at least 2 apparently unrelated probands meeting one of the PS4 requirements of a male with some functional vision impairment by age 30 years and/or decreased or absent electroretinogram responses (PMID: 32094925, PMID: 27208204], PS4_Supporting). In summary, this variant is classified as pathogenic for RPGR-related retinopathy based on the ClinGen X-linked Inherited Retinal Disease Expert Panel Specifications to the ACMG/AMP Variant Interpretation Guidelines for RPGR Version 1.0.0; PVS1, PM2_Supporting, and PS4_Supporting.

Centre for Genomic Medicine, Manchester, Central Manchester University Hospitals
Classification: Likely pathogenic for Retinal dystrophy. Review status: no assertion criteria provided. Collection method: clinical testing. Allele origin: germline. Affected: yes. Not counted in ClinVar's aggregate classification.

NM_001034853.2(RPGR):c.808C>T (p.Gln270Ter)

Gene: RPGR (retinitis pigmentosa GTPase regulator; minus strand). Cytogenetic location: Xp11.4.
Variant type: single nucleotide variant.
Coding change: c.808C>T on transcript NM_001034853.2 (MANE Select); coding-DNA position 808, C replaced by T.
Protein change: p.Gln270Ter; replaces glutamine 270 with a stop codon.
Molecular consequence: nonsense. On other transcripts: non-coding transcript variant (5).
Genome position (GRCh38, 1-based): chrX:38,304,761, G>A on the plus strand (C>T on the coding strand, the complement: RPGR is on the minus strand). VCF-style: chrX-38304761-G-A. GRCh37 (hg19) VCF-style: chrX-38164014-G-A.
Other names: NM_001034853.2(RPGR):c.808C>T; p.Gln270Ter; c.808C>T, p.Gln270Ter (NM_000328.3, NM_001367246.1, NM_001367247.1 and 1 more transcripts); c.805C>T, p.Gln269Ter (NM_001367245.1, NM_001367249.1, NM_001367250.1); c.838C>T, p.Gln280Ter (NM_001367248.1); short protein forms Q270*, Q280*, Q269*.
Identifiers: ClinVar variation 236482 (VCV000236482.2), dbSNP rs878853374, ClinGen allele CA10581716.